The following is an entry in ClinVar:

ClinVar aggregate classification (germline): Conflicting classifications of pathogenicity. Review status: criteria provided, conflicting classifications (1 of 4 stars). 3 submissions from 3 submitters: Uncertain significance (2); Likely benign (1). Last evaluated 2026-01-23.

Conditions:
Very long chain acyl-CoA dehydrogenase deficiency (ACADVLD). Also called: Very Long-Chain Acyl-Coenzyme A Dehydrogenase Deficiency; VLCAD Deficiency. Identifiers: Orphanet 26793, MedGen C3887523, MONDO:0008723, OMIM 201475.

Submissions (3):

Labcorp Genetics (formerly Invitae), Labcorp
Classification: Likely benign for Very long chain acyl-CoA dehydrogenase deficiency. Last evaluated: 2026-01-23. Review status: criteria provided, single submitter. Criteria: Invitae Variant Classification Sherloc (09022015). Collection method: clinical testing. Allele origin: germline.

ARUP Laboratories, Molecular Genetics and Genomics, ARUP Laboratories
Classification: Uncertain significance for Very long chain acyl-CoA dehydrogenase deficiency. Last evaluated: 2025-05-21. Review status: criteria provided, single submitter. Criteria: ARUP Molecular Germline Variant Investigation Process 2024. Collection method: clinical testing. Allele origin: germline.
Comment: The ACADVL c.205-8_205-7delinsGC variant (rs2142965218, ClinVar Variation ID: 1092689) is reported in combination with pathogenic or likely pathogenic variants in individuals affected with Very Long-Chain Acyl-Coenzyme A Dehydrogenase deficiency (Hesse 2018, Remec 2021, Shum 2023). The c.205-8C>G and c.205-7T>C (resulting in c.205-8_205-7delinsGC) variants are found on the same haplotype in the Ashkenazi Jewish population with an allele frequency of 0.38% (38/10080 alleles) in the Genome Aggregation Database (v2.1.1). This is an intronic variant, and computational analyses (SpliceAI) predict that this variant may impact splicing by weakening the nearby canonical acceptor splice site. However, due to the lack of functional data, the significance of this variant remains uncertain at this time.

GeneDx
Classification: Uncertain significance. Last evaluated: 2024-09-20. Review status: criteria provided, single submitter. Criteria: GeneDx Variant Classification Process June 2021. Collection method: clinical testing. Allele origin: germline. Affected: yes.
Comment: In-silico analysis is inconclusive as to whether the variant alters gene splicing. In the absence of RNA/functional studies, the actual effect of this sequence change is unknown.; This variant is associated with the following publications: (PMID: 37443404, 30194637, 33986768)

NM_000018.4(ACADVL):c.205-8_205-7delinsGC

Gene: ACADVL (acyl-CoA dehydrogenase very long chain; plus strand). Cytogenetic location: 17p13.1.
Variant type: Indel.
Coding change: c.205-8_205-7delinsGC on transcript NM_000018.4 (MANE Select); 8 bases into the intron before coding-DNA position 205 through 7 bases into the intron before coding-DNA position 205, CT replaced by GC.
Molecular consequence: intron variant.
Genome position (GRCh38, 1-based): chr17:7,220,596-7,220,597, CT replaced by GC. VCF-style: chr17-7220596-CT-GC. GRCh37 (hg19) VCF-style: chr17-7123915-CT-GC.
Other names: c.274-8_274-7delinsGC (NM_001270447.2); c.-24-8_-24-7delinsGC (NM_001270448.2); c.139-8_139-7delinsGC (NM_001033859.3).
Identifiers: ClinVar variation 1092689 (VCV001092689.12), dbSNP rs2142965218, ClinGen allele CA1139533036.
Genomic context (GRCh38, chr17:7,220,596, plus strand): 5'-AGCCCCGAGGCCAGGTGGACCTTAGCCAGACCCAACCAGAGCCCTGAAATTTGCCTCTCT[CT>GC]GCCCAGGAATCTAAGTCCTTTGCTGTGGGAATGTTCAAAGGCCAGCTCACCACAGATCAG-3'